The following is an entry in ClinVar:

NM_006796.3(AFG3L2):c.2347C>T (p.Arg783Trp)

Genes: AFG3L2 (AFG3 like matrix AAA peptidase subunit 2; minus strand), TUBB6 (tubulin beta 6 class V; plus strand). Cytogenetic location: 18p11.21.
Variant type: single nucleotide variant.
Coding change: c.2347C>T on transcript NM_006796.3 (MANE Select); coding-DNA position 2347, C replaced by T.
Protein change: p.Arg783Trp; replaces arginine 783 with tryptophan.
Molecular consequence: missense variant. On other transcripts: 3 prime UTR variant (1).
Genome position (GRCh38, 1-based): chr18:12,329,612, G>A on the plus strand (C>T on the coding strand, the complement: AFG3L2 is on the minus strand). VCF-style: chr18-12329612-G-A. GRCh37 (hg19) VCF-style: chr18-12329611-G-A.
Other names: c.*429G>A (NM_001303525.2); short protein forms R783W.
Identifiers: ClinVar variation 423779 (VCV000423779.47), dbSNP rs200514577, ClinGen allele CA8896223.

ClinVar aggregate classification (germline): Uncertain significance. Review status: criteria provided, multiple submitters, no conflicts (2 of 4 stars). 4 submissions from 4 submitters: Uncertain significance (4). Last evaluated 2024-01-01.

Conditions:
Spinocerebellar ataxia type 28 (SCA28). Also called: Spinocerebellar Ataxia Type 28 (SCA28). Identifiers: Orphanet 101109, MedGen C1853249, MONDO:0012450, OMIM 610246.

Allele frequency attached by ClinVar (database versions not stated): gnomAD 0.00003; TOPMed 0.00006; ESP Exome Variant Server 0.00015.
gnomAD v4.1: 86 of 1,614,012 alleles (0.0053%); highest among the groups gnomAD compares: Non-Finnish European, 0.0066%; no homozygotes.

Submissions (4):

CeGaT Center for Human Genetics Tuebingen
Classification: Uncertain significance. Last evaluated: 2024-01-01. Review status: criteria provided, single submitter. Criteria: CeGaT Center For Human Genetics Tuebingen Variant Classification Criteria Version 2. Collection method: clinical testing. Allele origin: germline. Affected: yes. Observed: 2 variant alleles.
Comment: AFG3L2: PM2

Labcorp Genetics (formerly Invitae), Labcorp
Classification: Uncertain significance. Last evaluated: 2023-05-19. Review status: criteria provided, single submitter. Criteria: Invitae Variant Classification Sherloc (09022015). Collection method: clinical testing. Allele origin: germline.
Comment: In summary, the available evidence is currently insufficient to determine the role of this variant in disease. Therefore, it has been classified as a Variant of Uncertain Significance. Advanced modeling of protein sequence and biophysical properties (such as structural, functional, and spatial information, amino acid conservation, physicochemical variation, residue mobility, and thermodynamic stability) has been performed at Invitae for this missense variant, however the output from this modeling did not meet the statistical confidence thresholds required to predict the impact of this variant on AFG3L2 protein function. ClinVar contains an entry for this variant (Variation ID: 423779). This variant has not been reported in the literature in individuals affected with AFG3L2-related conditions. This variant is present in population databases (rs200514577, gnomAD 0.007%). This sequence change replaces arginine, which is basic and polar, with tryptophan, which is neutral and slightly polar, at codon 783 of the AFG3L2 protein (p.Arg783Trp).

CENTOGENE GmbH and LLC - Guiding Precision Medicine
Classification: Uncertain significance for Spinocerebellar ataxia type 28. Last evaluated: 2021-03-22. Review status: criteria provided, single submitter. Criteria: ACMG Guidelines, 2015. Collection method: clinical testing. Allele origin: germline. Affected: yes.

GeneDx
Classification: Uncertain significance. Last evaluated: 2017-02-17. Review status: criteria provided, single submitter. Criteria: GeneDx Variant Classification (06012015). Collection method: clinical testing. Allele origin: germline. Affected: yes.
Comment: The R783W variant has not been published as a pathogenic variant, nor has it been reported as a benign variant to our knowledge. The R783W variant is not observed at a significant frequency in large population cohorts (Lek et al., 2016; 1000 Genomes Consortium et al., 2015; Exome Variant Server). The R783W variant is a non-conservative amino acid substitution, which is likely to impact secondary protein structure as these residues differ in polarity, charge, size and/or other properties. This substitution occurs at a position that is conserved across species. In silico analysis predicts this variant is probably damaging to the protein structure/function. In summary, based on the currently available information, it is unclear whether this variant is a pathogenic variant or a rare benign variant.